The following is an entry in ClinVar:

ClinVar aggregate classification (germline): Uncertain significance. Review status: criteria provided, multiple submitters, no conflicts (2 of 4 stars). 2 submissions from 2 submitters: Uncertain significance (2). Last evaluated 2023-07-10.

Conditions:
Inborn genetic diseases. Identifiers: MedGen C0950123, MeSH D030342.
Charcot-Marie-Tooth disease type 2. Also called: Charcot-Marie-Tooth type 2. Identifiers: Orphanet 64746, MedGen C0270914, MONDO:0018993.

Submissions (2):

Labcorp Genetics (formerly Invitae), Labcorp
Classification: Uncertain significance for Charcot-Marie-Tooth disease type 2. Last evaluated: 2023-07-10. Review status: criteria provided, single submitter. Criteria: Invitae Variant Classification Sherloc (09022015). Collection method: clinical testing. Allele origin: germline.
Comment: This sequence change replaces asparagine, which is neutral and polar, with serine, which is neutral and polar, at codon 258 of the MFN2 protein (p.Asn258Ser). This variant is not present in population databases (gnomAD no frequency). This variant has not been reported in the literature in individuals affected with MFN2-related conditions. ClinVar contains an entry for this variant (Variation ID: 1042378). Advanced modeling of protein sequence and biophysical properties (such as structural, functional, and spatial information, amino acid conservation, physicochemical variation, residue mobility, and thermodynamic stability) performed at Invitae indicates that this missense variant is expected to disrupt MFN2 protein function. In summary, the available evidence is currently insufficient to determine the role of this variant in disease. Therefore, it has been classified as a Variant of Uncertain Significance.

Ambry Genetics
Classification: Uncertain significance for Inborn genetic diseases. Last evaluated: 2021-07-14. Review status: criteria provided, single submitter. Criteria: Ambry Variant Classification Scheme 2023. Collection method: clinical testing. Allele origin: germline.
Comment: The p.N258S variant (also known as c.773A>G), located in coding exon 6 of the MFN2 gene, results from an A to G substitution at nucleotide position 773. The asparagine at codon 258 is replaced by serine, an amino acid with highly similar properties. This amino acid position is conserved. In addition, this alteration is predicted to be deleterious by in silico analysis. Since supporting evidence is limited at this time, the clinical significance of this alteration remains unclear.

NM_014874.4(MFN2):c.773A>G (p.Asn258Ser)

Gene: MFN2 (mitofusin 2; plus strand). Cytogenetic location: 1p36.22.
Variant type: single nucleotide variant.
Coding change: c.773A>G on transcript NM_014874.4 (MANE Select); coding-DNA position 773, A replaced by G.
Protein change: p.Asn258Ser; replaces asparagine 258 with serine.
Molecular consequence: missense variant.
Genome position (GRCh38, 1-based): chr1:11,999,052, A>G. VCF-style: chr1-11999052-A-G. GRCh37 (hg19) VCF-style: chr1-12059109-A-G.
Other names: c.773A>G, p.Asn258Ser (NM_001127660.2); short protein forms N258S.
Identifiers: ClinVar variation 1042378 (VCV001042378.10), dbSNP rs1639058625, ClinGen allele CA338439231.
Genomic context (GRCh38, chr1:11,999,052, plus strand): 5'-AGCACTTCTTCCACAAGGTGAGTGAGCGTCTCTCCCGGCCAAACATCTTCATCCTGAACA[A>G]CCGCTGGGATGCATCTGCCTCAGAGCCCGAGTACATGGAGGAGGTTCGTGCTTCTGTTTG-3'
Protein context (NP_055689.1, residues 248-268): LSRPNIFILN[Asn258Ser]RWDASASEPE